The following is an entry in ClinVar:

ClinVar aggregate classification (germline): Benign/Likely benign. Review status: criteria provided, multiple submitters, no conflicts (2 of 4 stars). 5 submissions from 5 submitters: Benign (2); Likely benign (2). 1 of the submissions does not count toward it. Last evaluated 2025-12-08.

Conditions:
Glaucoma 1, open angle, F (GLC1F). Identifiers: MedGen C1863926, OMIM 603383, MONDO:0011311.

Allele frequency attached by ClinVar (database versions not stated): 1000 Genomes Project 0.00260; 1000 Genomes Project 30x 0.00281; ExAC 0.00755; gnomAD exomes 0.00766; gnomAD 0.00820 and 0.00856; TOPMed 0.00880; ESP Exome Variant Server 0.01034.
gnomAD v4.1: 19,850 of 1,592,216 alleles (1.2%); highest among the groups gnomAD compares: Non-Finnish European, 1.6%; 193 homozygotes.

Submissions (5):

Labcorp Genetics (formerly Invitae), Labcorp
Classification: Benign. Last evaluated: 2025-12-08. Review status: criteria provided, single submitter. Criteria: Invitae Variant Classification Sherloc (09022015). Collection method: clinical testing. Allele origin: germline.

CeGaT Center for Human Genetics Tuebingen
Classification: Benign. Last evaluated: 2023-03-01. Review status: criteria provided, single submitter. Criteria: CeGaT Center For Human Genetics Tuebingen Variant Classification Criteria Version 2. Collection method: clinical testing. Allele origin: germline. Affected: yes. Observed: 1 variant allele.
Comment: ASB10: BP4, BP7, BS1, BS2

GeneDx
Classification: Likely benign. Last evaluated: 2021-05-05. Review status: criteria provided, single submitter. Criteria: GeneDx Variant Classification Process June 2021. Collection method: clinical testing. Allele origin: germline. Affected: yes.

Breakthrough Genomics
Classification: Likely benign. Review status: criteria provided, single submitter. Criteria: ACMG Guidelines, 2015. Collection method: not provided. Allele origin: germline. Inheritance: Autosomal dominant inheritance. Affected: yes.

Casey Eye Institute Glaucoma Genetics Lab 
No classification provided. Condition: Glaucoma 1, open angle, F. Review status: no classification provided. Collection method: not provided. Allele origin: somatic. Not counted in ClinVar's aggregate classification.

NM_001142459.2(ASB10):c.1272G>A (p.Ser424=)

Gene: ASB10 (ankyrin repeat and SOCS box containing 10; minus strand). Cytogenetic location: 7q36.1.
Variant type: single nucleotide variant.
Coding change: c.1272G>A on transcript NM_001142459.2 (MANE Select); coding-DNA position 1272, G replaced by A.
Protein change: p.Ser424=; no amino-acid change (serine 424 retained).
Molecular consequence: synonymous variant.
Genome position (GRCh38, 1-based): chr7:151,176,244, C>T on the plus strand (G>A on the coding strand, the complement: ASB10 is on the minus strand). VCF-style: chr7-151176244-C-T. GRCh37 (hg19) VCF-style: chr7-150873331-C-T.
Other names: c.1158G>A, p.Ser386= (NM_001142460.1); c.1227G>A, p.Ser409= (NM_080871.4).
Identifiers: ClinVar variation 99951 (VCV000099951.35), dbSNP rs104886486, ClinGen allele CA150480.